The following is an entry in ClinVar:

ClinVar aggregate classification (germline): Conflicting classifications of pathogenicity. Review status: criteria provided, conflicting classifications (1 of 4 stars). 6 submissions from 6 submitters: Uncertain significance (4); Likely benign (2). Last evaluated 2026-03-31.

Conditions:
Cardiovascular phenotype. Identifiers: MedGen CN230736.
Ehlers-Danlos syndrome, cardiac valvular type. Identifiers: Orphanet 230851, MedGen C4303789, MONDO:0009159, OMIM 225320.
Ehlers-Danlos syndrome, arthrochalasia type. Also called: Ehlers-Danlos syndrome, arthrochalasis type; Ehlers-Danlos syndrome, arthrochalasia type, 1; ARTHROCHALASIS MULTIPLEX CONGENITA; EDS VII, MUTANT PROCOLLAGEN TYPE; EDS VIIA. Identifiers: Orphanet 1899, Orphanet 99875, Orphanet 99876, MedGen C4551623, MONDO:0007525, OMIM 130060.
Osteogenesis imperfecta (OI). Identifiers: Orphanet 666, MedGen C0029434, MeSH D010013, MONDO:0019019.
COL1A2-related disorder. Also called: COL1A2-related condition; COL1A2-Related Disorders.
Osteogenesis imperfecta type I (OI1). Also called: Classic Non-deforming Osteogenesis Imperfecta with Blue Sclerae; Osteogenesis imperfecta type 1; Lobstein's Disease; Lobstein disease; OI, TYPE I; OSTEOGENESIS IMPERFECTA TARDA. Identifiers: Orphanet 216796, Orphanet 666, MedGen C0023931, MONDO:0008146, OMIM 166200. Disease mechanism: loss of function.
Ehlers-Danlos syndrome, classic type, 1 (EDSCL1). Also called: EDS I; Ehlers-Danlos syndrome, type 1; Ehlers-Danlos Syndrome, Classic Type, COL5A1-Related; EHLERS-DANLOS SYNDROME, GRAVIS TYPE; EHLERS-DANLOS SYNDROME, SEVERE CLASSIC TYPE. Identifiers: MedGen C0268335, MONDO:0019567, OMIM 130000.
Connective tissue disorder. Also called: Connective tissue disease. Identifiers: MedGen C0009782, MONDO:0003900.

Allele frequency attached by ClinVar (database versions not stated): ExAC 0.00002; gnomAD exomes 0.00005 and 0.00006; gnomAD 0.00007; ESP Exome Variant Server 0.00008; TOPMed 0.00008.
gnomAD v4.1: 98 of 1,613,538 alleles (0.0061%); highest among the groups gnomAD compares: Non-Finnish European, 0.0075%; no homozygotes.

Submissions (6):

Ambry Genetics
Classification: Uncertain significance for Cardiovascular phenotype. Last evaluated: 2026-03-31. Review status: criteria provided, single submitter. Criteria: Ambry Variant Classification Scheme 2023. Collection method: clinical testing. Allele origin: germline.
Comment: The c.1036-3T>C intronic variant results from a T to C substitution 3 nucleotides upstream from coding exon 20 in the COL1A2 gene. This nucleotide position is well conserved in available vertebrate species. In silico splice site analysis predicts that this alteration will not have any significant effect on splicing. Based on the available evidence, the clinical significance of this variant remains unclear.

Women's Health and Genetics/Laboratory Corporation of America, LabCorp
Classification: Uncertain significance. Last evaluated: 2026-03-09. Review status: criteria provided, single submitter. Criteria: LabCorp Variant Classification Summary - May 2015. Collection method: clinical testing. Allele origin: germline.
Comment: Variant summary: COL1A2 c.1036-3T>C alters a conserved nucleotide located close to a canonical splice site and therefore could affect mRNA splicing, leading to a significantly altered protein sequence. Several computational tools predict a significant impact on normal splicing: Three predict the variant weakens a 3' acceptor site. However, these predictions have yet to be confirmed by functional studies. The variant allele was found at a frequency of 5.2e-05 in 251376 control chromosomes. This frequency is not significantly higher than estimated for disease-causing variants in COL1A2, allowing no conclusion about variant significance. To our knowledge, no occurrence of c.1036-3T>C in individuals affected with COL1A2-related conditions and no experimental evidence demonstrating its impact on protein function have been reported. ClinVar contains an entry for this variant (Variation ID: 547238). Based on the evidence outlined above, the variant was classified as uncertain significance.

Labcorp Genetics (formerly Invitae), Labcorp
Classification: Uncertain significance for Osteogenesis imperfecta type I; Ehlers-Danlos syndrome, classic type, 1. Last evaluated: 2026-01-07. Review status: criteria provided, single submitter. Criteria: Invitae Variant Classification Sherloc (09022015). Collection method: clinical testing. Allele origin: germline.
Comment: This sequence change falls in intron 19 of the COL1A2 gene. It does not directly change the encoded amino acid sequence of the COL1A2 protein. It affects a nucleotide within the consensus splice site. This variant is present in population databases (rs370275593, gnomAD 0.01%). This variant has not been reported in the literature in individuals affected with COL1A2-related conditions. ClinVar contains an entry for this variant (Variation ID: 547238). Variants that disrupt the consensus splice site are a relatively common cause of aberrant splicing (PMID: 17576681, 9536098). Algorithms developed to predict the effect of sequence changes on RNA splicing suggest that this variant is not likely to affect RNA splicing. In summary, the available evidence is currently insufficient to determine the role of this variant in disease. Therefore, it has been classified as a Variant of Uncertain Significance.

PreventionGenetics, part of Exact Sciences
Classification: Likely benign for COL1A2-related condition. Last evaluated: 2024-11-04. Review status: criteria provided, single submitter. Criteria: ACMG Guidelines, 2015. Collection method: clinical testing. Allele origin: germline.
Comment: This variant is classified as likely benign based on ACMG/AMP sequence variant interpretation guidelines (Richards et al. 2015 PMID: 25741868, with internal and published modifications).

GeneDx
Classification: Likely benign. Last evaluated: 2018-04-27. Review status: criteria provided, single submitter. Criteria: GeneDx Variant Classification (06012015). Collection method: clinical testing. Allele origin: germline. Affected: yes.
Comment: This variant is considered likely benign or benign based on one or more of the following criteria: it is a conservative change, it occurs at a poorly conserved position in the protein, it is predicted to be benign by multiple in silico algorithms, and/or has population frequency not consistent with disease.

Center for Human Genetics, Inc
Classification: Uncertain significance for Connective tissue disorder. Last evaluated: 2016-11-01. Review status: criteria provided, single submitter. Criteria: ACMG Guidelines, 2015. Collection method: clinical testing. Allele origin: germline. Affected: yes.

Literature cited by the submitters: PubMed 17576681 (cited by Labcorp Genetics (formerly Invitae), Labcorp); PubMed 9536098 (cited by Labcorp Genetics (formerly Invitae), Labcorp).

NM_000089.4(COL1A2):c.1036-3T>C

Gene: COL1A2 (collagen type I alpha 2 chain; plus strand). Cytogenetic location: 7q21.3.
Variant type: single nucleotide variant.
Coding change: c.1036-3T>C on transcript NM_000089.4 (MANE Select); 3 bases into the intron before coding-DNA position 1036, T replaced by C.
Molecular consequence: intron variant.
Genome position (GRCh38, 1-based): chr7:94,410,239, T>C. VCF-style: chr7-94410239-T-C. GRCh37 (hg19) VCF-style: chr7-94039551-T-C.
Identifiers: ClinVar variation 547238 (VCV000547238.17), dbSNP rs370275593, ClinGen allele CA4346923.
Genomic context (GRCh38, chr7:94,410,239, plus strand): 5'-TTGTCTGCAAGAGAGTTTCAACAAATGTTTGTCCTTTGACCACTGTTCTGTATTGAACCC[T>C]AGGGTGAGCCTGGTCCAGCTGGCTCCAAAGGAGAGAGCGGTAACAAGGGTGAGCCCGTAA-3'